The following is an entry in ClinVar:

NM_017635.5(KMT5B):c.654G>T (p.Trp218Cys)

Gene: KMT5B (lysine methyltransferase 5B; minus strand). Cytogenetic location: 11q13.2.
Variant type: single nucleotide variant.
Coding change: c.654G>T on transcript NM_017635.5 (MANE Select); coding-DNA position 654, G replaced by T.
Protein change: p.Trp218Cys; replaces tryptophan 218 with cysteine.
Molecular consequence: missense variant. On other transcripts: non-coding transcript variant (2), intron variant (1).
Genome position (GRCh38, 1-based): chr11:68,171,709, C>A on the plus strand (G>T on the coding strand, the complement: KMT5B is on the minus strand). VCF-style: chr11-68171709-C-A. GRCh37 (hg19) VCF-style: chr11-67939176-C-A.
Other names: c.138G>T, p.Trp46Cys (NM_001300907.1, NM_001369424.1, NM_001369428.1 and 5 more transcripts); c.585G>T, p.Trp195Cys (NM_001300909.2); c.654G>T, p.Trp218Cys (NM_001363566.2, NM_001369426.1, NM_001369427.1 and 1 more transcripts); c.441G>T, p.Trp147Cys (NM_001369425.1); c.-14-53G>T (NM_001300908.2); short protein forms W218C, W147C, W195C, W46C.
Identifiers: ClinVar variation 5008678 (VCV005008678.1).
Genomic context (GRCh38, chr11:68,171,709, plus strand): 5'-CTCAATTTCTGAAAGTTCGGCAATACAACCCACCAGTAATTCTATTTTGTCATTTCGTTT[C>A]CTATTTAAAATATGTGATGTGTTAAAAATTACTAGTAATTAAATATAGTAAGGCTTCTTT-3'
Protein context (NP_060105.3, residues 208-228): NGAKIVATKE[Trp218Cys]KRNDKIELLV

ClinVar aggregate classification (germline): Uncertain significance (1 of 4 stars; one submission).

Submission:

GeneDx
Classification: Uncertain significance. Last evaluated: 2026-03-05. Review status: criteria provided, single submitter. Criteria: GeneDx Variant Classification Process June 2021. Collection method: clinical testing. Allele origin: germline.
Comment: Not observed at significant frequency in large population cohorts (gnomAD); In silico analysis supports that this missense variant has a deleterious effect on protein structure/function; In silico analysis supports a deleterious effect on splicing; Has not been previously published as pathogenic or benign to our knowledge